The following is an entry in ClinVar:

ClinVar aggregate classification (germline): Uncertain significance (1 of 4 stars; one submission).

Submission:

CeGaT Center for Human Genetics Tuebingen
Classification: Uncertain significance. Last evaluated: 2022-08-01. Review status: criteria provided, single submitter. Criteria: CeGaT Center For Human Genetics Tuebingen Variant Classification Criteria Version 2. Collection method: clinical testing. Allele origin: germline. Affected: yes. Observed: 1 variant allele.
Comment: STAG2: PM2, BP4

NM_001042750.2(STAG2):c.1638+7_1638+12delinsGATTGATC

Gene: STAG2 (STAG2 cohesin complex component; plus strand). Cytogenetic location: Xq25.
Variant type: Indel.
Coding change: c.1638+7_1638+12delinsGATTGATC on transcript NM_001042750.2 (MANE Select); bases 7 to 12 of the intron after coding-DNA position 1638, CAATCA replaced by GATTGATC.
Molecular consequence: intron variant.
Genome position (GRCh38, 1-based): chrX:124,061,881-124,061,886, CAATCA replaced by GATTGATC. VCF-style: chrX-124061881-CAATCA-GATTGATC. GRCh37 (hg19) VCF-style: chrX-123195731-CAATCA-GATTGATC.
Other names: c.1638+7_1638+12delinsGATTGATC (NM_001042749.2, NM_001375366.1, NM_001375373.1 and 13 more transcripts).
Identifiers: ClinVar variation 1711718 (VCV001711718.30), dbSNP rs2521767452, ClinGen allele CA2580100321.